The following is an entry in ClinVar:

NM_001378454.1(ALMS1):c.6475A>G (p.Arg2159Gly)

Gene: ALMS1 (ALMS1 centrosome and basal body associated protein; plus strand). Cytogenetic location: 2p13.1.
Variant type: single nucleotide variant.
Coding change: c.6475A>G on transcript NM_001378454.1 (MANE Select); coding-DNA position 6475, A replaced by G.
Protein change: p.Arg2159Gly; replaces arginine 2159 with glycine.
Molecular consequence: missense variant.
Genome position (GRCh38, 1-based): chr2:73,453,002, A>G. VCF-style: chr2-73453002-A-G. GRCh37 (hg19) VCF-style: chr2-73680129-A-G.
Other names: c.6478A>G, p.Arg2160Gly (NM_015120.4); short protein forms R2159G, R2160G.
Identifiers: ClinVar variation 4042668 (VCV004042668.2).

ClinVar aggregate classification (germline): Uncertain significance. Review status: criteria provided, multiple submitters, no conflicts (2 of 4 stars). 2 submissions from 2 submitters: Uncertain significance (2). Last evaluated 2025-05-20.

Conditions:
Cardiovascular phenotype. Identifiers: MedGen CN230736.

gnomAD v4.1: 6 of 1,612,770 alleles (0.00037%); highest among the groups gnomAD compares: Admixed American, 0.0033%; no homozygotes.

Submissions (2):

GeneDx
Classification: Uncertain significance. Last evaluated: 2025-05-20. Review status: criteria provided, single submitter. Criteria: GeneDx Variant Classification Process June 2021. Collection method: clinical testing. Allele origin: germline. Affected: yes.
Comment: Not observed at significant frequency in large population cohorts (gnomAD); In silico analysis suggests that this missense variant does not alter protein structure/function; Has not been previously published as pathogenic or benign to our knowledge

Ambry Genetics
Classification: Uncertain significance for Cardiovascular phenotype. Last evaluated: 2025-05-08. Review status: criteria provided, single submitter. Criteria: Ambry Variant Classification Scheme 2023. Collection method: clinical testing. Allele origin: germline.
Comment: The p.R2160G variant (also known as c.6478A>G), located in coding exon 8 of the ALMS1 gene, results from an A to G substitution at nucleotide position 6478. The arginine at codon 2160 is replaced by glycine, an amino acid with dissimilar properties. In addition, this alteration is predicted to be tolerated by in silico analysis. Based on the available evidence, the clinical significance of this variant remains unclear.